The following is an entry in ClinVar:

NM_024422.6(DSC2):c.2497C>G (p.Arg833Gly)

Gene: DSC2 (desmocollin 2; minus strand). Cytogenetic location: 18q12.1.
Variant type: single nucleotide variant.
Coding change: c.2497C>G on transcript NM_024422.6 (MANE Select); coding-DNA position 2497, C replaced by G.
Protein change: p.Arg833Gly; replaces arginine 833 with glycine.
Molecular consequence: missense variant.
Genome position (GRCh38, 1-based): chr18:31,068,905, G>C on the plus strand (C>G on the coding strand, the complement: DSC2 is on the minus strand). VCF-style: chr18-31068905-G-C. GRCh37 (hg19) VCF-style: chr18-28648871-G-C.
Other names: c.2497C>G, p.Arg833Gly (NM_004949.5); short protein forms R833G.
Identifiers: ClinVar variation 1463762 (VCV001463762.10), dbSNP rs142410803, ClinGen allele CA037101.
Genomic context (GRCh38, chr18:31,068,905, plus strand): 5'-AGTTTAAAGAAAATTAAAATAGATTTGTAGGCCACTTAGGAAAACTCACTTCACCAAGAC[G>C]GGGCTGAGTAAAACTGTGCCACTCCGAGTAAGTGTATCTGCAGTTGTCCACCTCCGTGTG-3'
Protein context (NP_077740.1, residues 823-843): YSEWHSFTQP[Arg833Gly]LGEKVYLCNQ

ClinVar aggregate classification (germline): Conflicting classifications of pathogenicity. Review status: criteria provided, conflicting classifications (1 of 4 stars). 3 submissions from 3 submitters: Uncertain significance (2); Likely benign (1). Last evaluated 2023-10-02.

Conditions:
Familial isolated arrhythmogenic right ventricular dysplasia. Identifiers: Orphanet 217656, MedGen C4274968, MONDO:0016342.
Arrhythmogenic right ventricular dysplasia 11. Also called: ARRHYTHMOGENIC RIGHT VENTRICULAR DYSPLASIA, FAMILIAL, 11; Arrhythmogenic Right Ventricular Dysplasia/Cardiomyopathy11; Arrhythmogenic right ventricular dysplasia 11 with mild palmoplantar keratoderma and woolly hair. Identifiers: MedGen C1864850, MONDO:0012506, OMIM 610476.

gnomAD v4.1: 6 of 1,613,394 alleles (0.00037%); highest among the groups gnomAD compares: South Asian, 0.0066%; no homozygotes.

Submissions (3):

All of Us Research Program, National Institutes of Health
Classification: Uncertain significance for Familial isolated arrhythmogenic right ventricular dysplasia. Last evaluated: 2023-10-02. Review status: criteria provided, single submitter. Criteria: ACMG Guidelines, 2015. Collection method: clinical testing. Allele origin: germline. Inheritance: Autosomal dominant inheritance. Observed: 2 variant alleles, 2 heterozygotes.
Comment: This missense variant replaces arginine with glycine at codon 833 of the DSC2 protein. Computational prediction suggests that this variant may not impact protein structure and function (internally defined REVEL score threshold <= 0.5, PMID: 27666373). To our knowledge, functional studies have not been reported for this variant. This variant has not been reported in individuals affected with DSC2-related disorders in the literature. This variant has been identified in 2/250558 chromosomes in the general population by the Genome Aggregation Database (gnomAD). The available evidence is insufficient to determine the role of this variant in disease conclusively. Therefore, this variant is classified as a Variant of Uncertain Significance.

This study involves interpretation of variants in research participants for the purpose of population health screening. Participant phenotype was not available at the time of variant classification. Additional details can be found in publication PMID: 35346344, PMCID: PMC8962531

Labcorp Genetics (formerly Invitae), Labcorp
Classification: Uncertain significance for Arrhythmogenic right ventricular dysplasia 11. Last evaluated: 2021-03-09. Review status: criteria provided, single submitter. Criteria: Invitae Variant Classification Sherloc (09022015). Collection method: clinical testing. Allele origin: germline.
Comment: Algorithms developed to predict the effect of missense changes on protein structure and function are either unavailable or do not agree on the potential impact of this missense change (SIFT: "Tolerated"; PolyPhen-2: "Probably Damaging"; Align-GVGD: "Class C15"). In summary, the available evidence is currently insufficient to determine the role of this variant in disease. Therefore, it has been classified as a Variant of Uncertain Significance. This variant has not been reported in the literature in individuals with DSC2-related conditions. This variant is present in population databases (rs142410803, ExAC 0.006%). This sequence change replaces arginine with glycine at codon 833 of the DSC2 protein (p.Arg833Gly). The arginine residue is moderately conserved and there is a moderate physicochemical difference between arginine and glycine.

Blueprint Genetics
Classification: Likely benign. Last evaluated: 2020-04-27. Review status: criteria provided, single submitter. Criteria: ACMG Guidelines, 2015. Collection method: clinical testing. Allele origin: germline.